The following is an entry in ClinVar:

ClinVar aggregate classification (germline): Uncertain significance (1 of 4 stars; one submission).

Submission:

Labcorp Genetics (formerly Invitae), Labcorp
Classification: Uncertain significance. Last evaluated: 2021-08-12. Review status: criteria provided, single submitter. Criteria: Invitae Variant Classification Sherloc (09022015). Collection method: clinical testing. Allele origin: germline.
Comment: In summary, the available evidence is currently insufficient to determine the role of this variant in disease. Therefore, it has been classified as a Variant of Uncertain Significance. Variants that disrupt the consensus splice site are a relatively common cause of aberrant splicing (PMID: 17576681, 9536098). Algorithms developed to predict the effect of sequence changes on RNA splicing suggest that this variant is not likely to affect RNA splicing. This variant has not been reported in the literature in individuals affected with EIF2AK3-related conditions. This variant is not present in population databases (ExAC no frequency). This sequence change falls in intron 14 of the EIF2AK3 gene. It does not directly change the encoded amino acid sequence of the EIF2AK3 protein. It affects a nucleotide within the consensus splice site of the intron.

Literature cited by the submitters: PubMed 17576681; PubMed 9536098.

NM_004836.7(EIF2AK3):c.2985+6T>C

Genes: EIF2AK3 (eukaryotic translation initiation factor 2 alpha kinase 3; minus strand), EIF2AK3-AS1 (EIF2AK3 antisense RNA 1; plus strand). Cytogenetic location: 2p11.2.
Variant type: single nucleotide variant.
Coding change: c.2985+6T>C on transcript NM_004836.7 (MANE Select); 6 bases into the intron after coding-DNA position 2985, T replaced by C.
Molecular consequence: intron variant.
Genome position (GRCh38, 1-based): chr2:88,570,868, A>G on the plus strand (T>C on the coding strand, the complement: EIF2AK3 is on the minus strand). VCF-style: chr2-88570868-A-G. GRCh37 (hg19) VCF-style: chr2-88870386-A-G.
Other names: c.2532+6T>C (NM_001313915.2).
Identifiers: ClinVar variation 1374518 (VCV001374518.6), dbSNP rs1674286829, ClinGen allele CA1268206404.